The following is an entry in ClinVar:

ClinVar aggregate classification (germline): Uncertain significance (1 of 4 stars; one submission).

Conditions:
Vici syndrome (VICIS). Identifiers: Orphanet 1493, MedGen C1855772, MONDO:0009452, OMIM 242840.

Allele frequency attached by ClinVar (database versions not stated): TOPMed below 0.00001; ExAC 0.00001; gnomAD exomes 0.00002 and 0.00003.
gnomAD v4.1: 23 of 1,573,106 alleles (0.0015%); highest among the groups gnomAD compares: South Asian, 0.023%; no homozygotes.

Submission:

Labcorp Genetics (formerly Invitae), Labcorp
Classification: Uncertain significance for Vici syndrome. Last evaluated: 2021-12-03. Review status: criteria provided, single submitter. Criteria: Invitae Variant Classification Sherloc (09022015). Collection method: clinical testing. Allele origin: germline.
Comment: This sequence change replaces lysine, which is basic and polar, with glutamic acid, which is acidic and polar, at codon 888 of the EPG5 protein (p.Lys888Glu). This variant is present in population databases (rs769833086, gnomAD 0.02%). This variant has not been reported in the literature in individuals affected with EPG5-related conditions. Algorithms developed to predict the effect of missense changes on protein structure and function (SIFT, PolyPhen-2, Align-GVGD) all suggest that this variant is likely to be tolerated. In summary, the available evidence is currently insufficient to determine the role of this variant in disease. Therefore, it has been classified as a Variant of Uncertain Significance.

NM_020964.3(EPG5):c.2662A>G (p.Lys888Glu)

Gene: EPG5 (ectopic P-granules 5 autophagy tethering factor; minus strand). Cytogenetic location: 18q21.1.
Variant type: single nucleotide variant.
Coding change: c.2662A>G on transcript NM_020964.3 (MANE Select); coding-DNA position 2662, A replaced by G.
Protein change: p.Lys888Glu; replaces lysine 888 with glutamic acid.
Molecular consequence: missense variant.
Genome position (GRCh38, 1-based): chr18:45,925,794, T>C on the plus strand (A>G on the coding strand, the complement: EPG5 is on the minus strand). VCF-style: chr18-45925794-T-C. GRCh37 (hg19) VCF-style: chr18-43505760-T-C.
Other names: short protein forms K888E.
Identifiers: ClinVar variation 1420604 (VCV001420604.6), dbSNP rs769833086, ClinGen allele CA8949372.